The following is an entry in ClinVar:

ClinVar aggregate classification (germline): Pathogenic (1 of 4 stars; one submission).

Conditions:
Myopathy caused by variation in POMGNT1. Identifiers: MedGen CN305639, MONDO:0700068.

Submission:

Myriad Genetics, Inc.
Classification: Pathogenic for Myopathy caused by variation in POMGNT1. Last evaluated: 2023-09-27. Review status: criteria provided, single submitter. Criteria: Myriad Autosomal Dominant, Autosomal Recessive and X-Linked Classification Criteria (2023). Collection method: clinical testing. Allele origin: unknown.
Comment: NM_017739.3(POMGNT1):c.248dupG(R84Pfs*40) is expected to be pathogenic in the context of POMGNT1-related disorders. This variant is predicted to lead to an abnormal or absent protein product due to the creation of a premature termination codon in POMGNT1, a gene where loss-of-function variants are known to be pathogenic. Please note: this variant was assessed in the context of healthy population screening.

NM_017739.4(POMGNT1):c.248dup (p.Arg84fs)

Gene: POMGNT1 (protein O-linked mannose N-acetylglucosaminyltransferase 1 (beta 1,2-); minus strand). Cytogenetic location: 1p34.1.
Variant type: Duplication.
Coding change: c.248dup on transcript NM_017739.4 (MANE Select); coding-DNA position 248, one base duplicated (G; older notation c.248dupG).
Protein change: p.Arg84fs; shifts the reading frame from arginine 84.
Molecular consequence: frameshift variant. On other transcripts: 5 prime UTR variant (1).
Genome position (GRCh38, 1-based): chr1:46,196,837, C duplicated on the plus strand (G on the coding strand, the reverse complement: POMGNT1 is on the minus strand); the first of 2 consecutive C bases (chr1:46,196,837-46,196,838); duplicating either gives the same sequence. VCF-style (leftmost placement, unchanged base first): chr1-46196836-G-GC. GRCh37 (hg19) VCF-style: chr1-46662508-G-GC.
Other names: c.248dup, p.Arg84fs (NM_001243766.2, NM_001410783.1, NM_001437653.1 and 3 more transcripts); c.182dup, p.Arg62fs (NM_001290129.3, NM_001438691.1, NM_001438692.1); c.-182dup (NM_001290130.2); short protein forms R62fs, R84fs.
Identifiers: ClinVar variation 5012114 (VCV005012114.1).